The following is an entry in ClinVar:

NM_000155.4(GALT):c.989C>T (p.Ala330Val)

Gene: GALT (galactose-1-phosphate uridylyltransferase; plus strand). Cytogenetic location: 9p13.3.
Variant type: single nucleotide variant.
Coding change: c.989C>T on transcript NM_000155.4 (MANE Select); coding-DNA position 989, C replaced by T.
Protein change: p.Ala330Val; replaces alanine 330 with valine.
Molecular consequence: missense variant.
Genome position (GRCh38, 1-based): chr9:34,649,494, C>T. VCF-style: chr9-34649494-C-T. GRCh37 (hg19) VCF-style: chr9-34649491-C-T.
Other names: c.662C>T, p.Ala221Val (NM_001258332.2); c.989C>T (NM_000155.3); short protein forms A221V.
Identifiers: ClinVar variation 4817650 (VCV004817650.1), dbSNP rs111033804.
Genomic context (GRCh38, chr9:34,649,494, plus strand): 5'-GGGCCAACTGGAACCATTGGCAGCTGCACGCTCATTACTACCCTCCGCTCCTGCGCTCTG[C>T]CACTGTCCGGAAATTCATGGTTGGCTACGAAATGCTTGCTCAGGCTCAGAGGGACCTCAC-3'
Protein context (NP_000146.2, residues 320-340): AHYYPPLLRS[Ala330Val]TVRKFMVGYE

ClinVar aggregate classification (germline): Likely pathogenic (1 of 4 stars; one submission).

Conditions:
Galactosemia. Also called: Galactose intolerance. Identifiers: Orphanet 352, MedGen C0016952, MONDO:0018116, HP:0004919. Disease mechanism: loss of function.

Allele frequency attached by ClinVar (database versions not stated): TOPMed 0.00001.
gnomAD v4.1: 1 of 1,614,068 alleles (0.000062%); highest among the groups gnomAD compares: African/African-American, 0.0013%; no homozygotes.

Submission:

Natera, Inc.
Classification: Likely pathogenic for Galactosemia. Last evaluated: 2025-11-18. Review status: criteria provided, single submitter. Criteria: Natera Variant Classification Schema (03/2026). Collection method: clinical testing. Allele origin: germline.
Comment: The c.989C>T variant in GALT is a missense variant predicted to cause substitution of alanine to valine at amino acid 330. This variant is rare in the general population with a frequency below the threshold expected for the associated phenotype(s). This variant has been observed in one or more individuals affected with the associated recessive disease, as either homozygous or compound heterozygous with a second variant (PMID: 11092512, 8598637). Additionally, this variant has been observed to segregate in affected family members (PMID: 8598637). Computational prediction algorithms indicate this variant is likely to affect gene or protein function. Given the available evidence, this variant is classified as Likely Pathogenic.

Literature cited by the submitters: PubMed 11092512; PubMed 8598637.